The following is an entry in ClinVar:

NM_000330.4(RS1):c.52+5G>A

Gene: RS1 (retinoschisin 1; minus strand). Cytogenetic location: Xp22.13.
Variant type: single nucleotide variant.
Coding change: c.52+5G>A on transcript NM_000330.4 (MANE Select); 5 bases into the intron after coding-DNA position 52, G replaced by A.
Molecular consequence: intron variant.
Genome position (GRCh38, 1-based): chrX:18,672,012, C>T on the plus strand (G>A on the coding strand, the complement: RS1 is on the minus strand). VCF-style: chrX-18672012-C-T. GRCh37 (hg19) VCF-style: chrX-18690132-C-T.
Identifiers: ClinVar variation 2198689 (VCV002198689.4), dbSNP rs281865338, ClinGen allele CA10360831.

ClinVar aggregate classification (germline): Uncertain significance. Review status: criteria provided, multiple submitters, no conflicts (2 of 4 stars). 2 submissions from 2 submitters: Uncertain significance (2). Last evaluated 2024-11-18.

Allele frequency attached by ClinVar (database versions not stated): gnomAD exomes below 0.00001; ExAC 0.00001; gnomAD 0.00002; TOPMed 0.00002.
gnomAD v4.1: 7 of 1,201,437 alleles (0.00058%); highest among the groups gnomAD compares: East Asian, 0.0059%; no homozygotes.

Submissions (2):

Labcorp Genetics (formerly Invitae), Labcorp
Classification: Uncertain significance. Last evaluated: 2024-11-18. Review status: criteria provided, single submitter. Criteria: Invitae Variant Classification Sherloc (09022015). Collection method: clinical testing. Allele origin: germline.
Comment: This sequence change falls in intron 1 of the RS1 gene. It does not directly change the encoded amino acid sequence of the RS1 protein. It affects a nucleotide within the consensus splice site. This variant is present in population databases (rs281865338, gnomAD 0.02%). This variant has been observed in individual(s) with X-linked juvenile retinoschisis (PMID: 33460243, 34645606). ClinVar contains an entry for this variant (Variation ID: 2198689). Variants that disrupt the consensus splice site are a relatively common cause of aberrant splicing (PMID: 17576681, 9536098). Algorithms developed to predict the effect of sequence changes on RNA splicing suggest that this variant is not likely to affect RNA splicing. In summary, the available evidence is currently insufficient to determine the role of this variant in disease. Therefore, it has been classified as a Variant of Uncertain Significance.

Blueprint Genetics
Classification: Uncertain significance. Last evaluated: 2022-11-08. Review status: criteria provided, single submitter. Criteria: ACMG Guidelines, 2015. Collection method: clinical testing. Allele origin: germline.

Literature cited by the submitters: PubMed 33460243 (cited by Labcorp Genetics (formerly Invitae), Labcorp); PubMed 34645606 (cited by Labcorp Genetics (formerly Invitae), Labcorp); PubMed 17576681 (cited by Labcorp Genetics (formerly Invitae), Labcorp); PubMed 9536098 (cited by Labcorp Genetics (formerly Invitae), Labcorp).